The following is an entry in ClinVar:

NM_025243.4(SLC19A3):c.862G>A (p.Ala288Thr)

Gene: SLC19A3 (solute carrier family 19 member 3; minus strand). Cytogenetic location: 2q36.3.
Variant type: single nucleotide variant.
Coding change: c.862G>A on transcript NM_025243.4 (MANE Select); coding-DNA position 862, G replaced by A.
Protein change: p.Ala288Thr; replaces alanine 288 with threonine.
Molecular consequence: missense variant.
Genome position (GRCh38, 1-based): chr2:227,698,853, C>T on the plus strand (G>A on the coding strand, the complement: SLC19A3 is on the minus strand). VCF-style: chr2-227698853-C-T. GRCh37 (hg19) VCF-style: chr2-228563569-C-T.
Other names: short protein forms A288T.
Identifiers: ClinVar variation 570309 (VCV000570309.9), dbSNP rs542566978, ClinGen allele CA66660105.
Genomic context (GRCh38, chr2:227,698,853, plus strand): 5'-GCGCCTTGTAATCCCACAGGATTTGAACATAGTTCAAAACCTGGTTAAAACCTGCTGTGG[C>T]GAAAGCCCACCATAGAGACCAGTAGAAAAGACGTTTTGAGGAGTAGCACTCCTTCAAATC-3'
Protein context (NP_079519.1, residues 278-298): LFYWSLWWAF[Ala288Thr]TAGFNQVLNY

ClinVar aggregate classification (germline): Uncertain significance. Review status: criteria provided, multiple submitters, no conflicts (2 of 4 stars). 2 submissions from 2 submitters: Uncertain significance (2). Last evaluated 2024-02-06.

Conditions:
Inborn genetic diseases. Identifiers: MedGen C0950123, MeSH D030342.
Biotin-responsive basal ganglia disease (BTBGD). Also called: Thiamine metabolism dysfunction syndrome type 2; Thiamine Transporter-2 Deficiency; Thiamine metabolism dysfunction syndrome 2 (biotin- or thiamine-responsive encephalopathy type 2); thiamine-responsive encephalopathy; THIAMINE METABOLISM DYSFUNCTION SYNDROME 2 (BIOTIN- AND THIAMINE-RESPONSIVE TYPE). Identifiers: Orphanet 199348, Orphanet 65284, MedGen C1843807, MONDO:0011841, OMIM 607483.

Allele frequency attached by ClinVar (database versions not stated): gnomAD 0.00001.
gnomAD v4.1: 9 of 1,614,008 alleles (0.00056%); highest among the groups gnomAD compares: Middle Eastern, 0.016%; no homozygotes.

Submissions (2):

Ambry Genetics
Classification: Uncertain significance for Inborn genetic diseases. Last evaluated: 2024-02-06. Review status: criteria provided, single submitter. Criteria: Ambry Variant Classification Scheme 2023. Collection method: clinical testing. Allele origin: germline.

Labcorp Genetics (formerly Invitae), Labcorp
Classification: Uncertain significance for Biotin-responsive basal ganglia disease. Last evaluated: 2021-08-27. Review status: criteria provided, single submitter. Criteria: Invitae Variant Classification Sherloc (09022015). Collection method: clinical testing. Allele origin: germline.
Comment: This sequence change replaces alanine with threonine at codon 288 of the SLC19A3 protein (p.Ala288Thr). The alanine residue is moderately conserved and there is a small physicochemical difference between alanine and threonine. This variant is not present in population databases (ExAC no frequency). This variant has not been reported in the literature in individuals affected with SLC19A3-related conditions. Algorithms developed to predict the effect of missense changes on protein structure and function are either unavailable or do not agree on the potential impact of this missense change (SIFT: "Tolerated"; PolyPhen-2: "Probably Damaging"; Align-GVGD: "Class C0"). In summary, the available evidence is currently insufficient to determine the role of this variant in disease. Therefore, it has been classified as a Variant of Uncertain Significance.